The following is an entry in ClinVar:

ClinVar aggregate classification (germline): Uncertain significance (0 of 4 stars; one submission).

Conditions:
Renal tubular acidosis. Identifiers: MedGen C0001126, MONDO:0001909, HP:0001947.

Submission:

Sydney Genome Diagnostics, Children's Hospital Westmead
Classification: Uncertain significance for Renal tubular acidosis. Last evaluated: 2019-11-19. Review status: no assertion criteria provided. Collection method: clinical testing. Allele origin: unknown. Affected: yes. Observed: 1 variant allele, 1 heterozygote.
Comment: The variant has not been reported in any population databases (i.e. gnomAD, ExAC, ESP or dbSNP). To our knowledge, this variant has not been previously reported in the literature or any disease specific databases. In silico analysis of pathogenicity (through Alamut Visual v2.8.1) using PolyPhen2, SIFT and MutationTaster all suggest that this variant is likely to be pathogenic. In addition, in silico analysis (Alamut Visual v2.8.1) predicts that this variant may have an effect on splicing by creation of an alternate splice acceptor site. However, this analysis alone cannot be used to confirm pathogenicity. This variant is considered to be a variant of uncertain clinical significance (VOUS) according to the ACMG guidelines (evidence used: PM2, PP3).

NM_000342.4(SLC4A1):c.2385G>A (p.Met795Ile)

Gene: SLC4A1 (solute carrier family 4 member 1 (Diego blood group); minus strand). Cytogenetic location: 17q21.31.
Variant type: single nucleotide variant.
Coding change: c.2385G>A on transcript NM_000342.4 (MANE Select); coding-DNA position 2385, G replaced by A.
Protein change: p.Met795Ile; replaces methionine 795 with isoleucine.
Molecular consequence: missense variant.
Genome position (GRCh38, 1-based): chr17:44,251,515, C>T on the plus strand (G>A on the coding strand, the complement: SLC4A1 is on the minus strand). VCF-style: chr17-44251515-C-T. GRCh37 (hg19) VCF-style: chr17-42328883-C-T.
Other names: short protein forms M795I.
Identifiers: ClinVar variation 988236 (VCV000988236.1), dbSNP rs2047339489, ClinGen allele CA399781055.
Genomic context (GRCh38, chr17:44,251,515, plus strand): 5'-TGGCTTGAACAGAAGCAAGATGCGGTCAAAGAGCTGGATGCCGCTGAGCGACGTGACCCC[C>T]ATGTAGAGGAAGATGCCAAACAGTACAGCCAGGGGGATGCGGGACAGGATGGGCTCCATG-3'
Protein context (NP_000333.1, residues 785-805): LAVLFGIFLY[Met795Ile]GVTSLSGIQL